The following is an entry in ClinVar:

ClinVar aggregate classification (germline): Uncertain significance (1 of 4 stars; one submission).

Allele frequency attached by ClinVar (database versions not stated): gnomAD exomes below 0.00001; ExAC 0.00001.
gnomAD v4.1: 1 of 1,605,244 alleles (0.000062%); highest among the groups gnomAD compares: South Asian, 0.0011%; no homozygotes.

Submission:

Labcorp Genetics (formerly Invitae), Labcorp
Classification: Uncertain significance. Last evaluated: 2021-12-30. Review status: criteria provided, single submitter. Criteria: Invitae Variant Classification Sherloc (09022015). Collection method: clinical testing. Allele origin: germline.
Comment: This sequence change replaces leucine, which is neutral and non-polar, with proline, which is neutral and non-polar, at codon 635 of the PDE6C protein (p.Leu635Pro). This variant is present in population databases (rs747466783, gnomAD 0.003%). This variant has not been reported in the literature in individuals affected with PDE6C-related conditions. Algorithms developed to predict the effect of missense changes on protein structure and function are either unavailable or do not agree on the potential impact of this missense change (SIFT: "Deleterious"; PolyPhen-2: "Probably Damaging"; Align-GVGD: "Class C15"). In summary, the available evidence is currently insufficient to determine the role of this variant in disease. Therefore, it has been classified as a Variant of Uncertain Significance.

NM_006204.4(PDE6C):c.1904T>C (p.Leu635Pro)

Gene: PDE6C (phosphodiesterase 6C; plus strand). Cytogenetic location: 10q23.33.
Variant type: single nucleotide variant.
Coding change: c.1904T>C on transcript NM_006204.4 (MANE Select); coding-DNA position 1904, T replaced by C.
Protein change: p.Leu635Pro; replaces leucine 635 with proline.
Molecular consequence: missense variant.
Genome position (GRCh38, 1-based): chr10:93,646,016, T>C. VCF-style: chr10-93646016-T-C. GRCh37 (hg19) VCF-style: chr10-95405773-T-C.
Other names: short protein forms L635P.
Identifiers: ClinVar variation 1488752 (VCV001488752.5), dbSNP rs747466783, ClinGen allele CA5610333.